The following is an entry in ClinVar:

ClinVar aggregate classification (germline): Uncertain significance (1 of 4 stars; one submission).

Conditions:
Developmental and epileptic encephalopathy, 81. Also called: EPILEPTIC ENCEPHALOPATHY, EARLY INFANTILE, 81. Identifiers: MedGen C5231450, MONDO:0032858, OMIM 618663.

Allele frequency attached by ClinVar (database versions not stated): TOPMed below 0.00001; ExAC 0.00001; gnomAD 0.00001; 1000 Genomes Project 30x 0.00016; 1000 Genomes Project 0.00020.
gnomAD v4.1: 2 of 1,614,104 alleles (0.00012%); highest among the groups gnomAD compares: African/African-American, 0.0027%; no homozygotes.

Submission:

Clinical Genomics Laboratory, Washington University in St. Louis
Classification: Uncertain significance for Developmental and epileptic encephalopathy, 81. Last evaluated: 2023-10-23. Review status: criteria provided, single submitter. Criteria: ACMG Guidelines, 2015. Collection method: clinical testing. Allele origin: germline.
Comment: The DMXL2 c.3172G>A (p.Gly1058Arg) variant, to our knowledge, has not been reported in the medical literature. The variant is only observed on 1/251,224 alleles in the general population (gnomAD v.2.1.1), indicating it is not a common variant. Computational predictors suggest that the variant does not impact DMXL2 function. Due to limited information, and based on ACMG/AMP guidelines for variant interpretation (Richards S et al., PMID: 25741868), the clinical significance of this variant is uncertain at this time.

NM_001378457.1(DMXL2):c.3172G>A (p.Gly1058Arg)

Gene: DMXL2 (Dmx like 2; minus strand). Cytogenetic location: 15q21.2.
Variant type: single nucleotide variant.
Coding change: c.3172G>A on transcript NM_001378457.1 (MANE Select); coding-DNA position 3172, G replaced by A.
Protein change: p.Gly1058Arg; replaces glycine 1058 with arginine.
Molecular consequence: missense variant. On other transcripts: non-coding transcript variant (2), intron variant (2).
Genome position (GRCh38, 1-based): chr15:51,500,052, C>T on the plus strand (G>A on the coding strand, the complement: DMXL2 is on the minus strand). VCF-style: chr15-51500052-C-T. GRCh37 (hg19) VCF-style: chr15-51792249-C-T.
Other names: c.3172G>A, p.Gly1058Arg (NM_001174116.3, NM_001378458.1, NM_001378459.1 and 4 more transcripts); c.2932G>A, p.Gly978Arg (NM_001378464.1); c.2764+7082G>A (NM_001378460.1); c.2765-4918G>A (NM_001174117.3); short protein forms G1058R, G978R.
Identifiers: ClinVar variation 2672165 (VCV002672165.1), dbSNP rs568116521, ClinGen allele CA7562199.